The following is an entry in ClinVar:

NM_213655.5(WNK1):c.3627_3630del (p.Pro1210fs)

Gene: WNK1 (WNK lysine deficient protein kinase 1; plus strand). Cytogenetic location: 12p13.33.
Variant type: Deletion.
Coding change: c.3627_3630del on transcript NM_213655.5 (MANE Plus Clinical); coding-DNA positions 3627 to 3630, 4 bases deleted (TCCA; older notation c.3627_3630delTCCA).
Protein change: p.Pro1210fs; shifts the reading frame from proline 1210.
Molecular consequence: frameshift variant. On other transcripts: intron variant (2).
Genome position (GRCh38, 1-based): chr12:869,098-869,101, TCCA deleted; deleting any 4 consecutive bases within chr12:869,096-869,101 gives the same sequence; the c. name uses the placement nearest the transcript's 3' end. VCF-style (leftmost placement, unchanged base first): chr12-869095-TCATC-T. GRCh37 (hg19) VCF-style: chr12-978261-TCATC-T.
Other names: c.3372_3375del, p.Pro1125fs (NM_001184985.2); c.2140-2167_2140-2164del (NM_018979.4, NM_014823.3); short protein forms P1125fs, P1210fs.
Identifiers: ClinVar variation 4786469 (VCV004786469.1).

ClinVar aggregate classification (germline): Pathogenic (1 of 4 stars; one submission).

Conditions:
Neuropathy, hereditary sensory and autonomic, type 2A (HSAN2A). Also called: WNK1-Related HSAN2 (HSAN2A); ACROOSTEOLYSIS, GIACCAI TYPE; ACROOSTEOLYSIS, NEUROGENIC; MORVAN DISEASE; NEUROPATHY, CONGENITAL SENSORY; NEUROPATHY, HEREDITARY SENSORY RADICULAR, AUTOSOMAL RECESSIVE. Identifiers: Orphanet 970, MedGen C2752089, MONDO:0024309, OMIM 201300.
Pseudohypoaldosteronism type 2C (PHA2C). Also called: Pseudohypoaldosteronism Type IIC. Identifiers: Orphanet 757, Orphanet 88940, MedGen C1840391, MONDO:0013778, OMIM 614492.

Submission:

Labcorp Genetics (formerly Invitae), Labcorp
Classification: Pathogenic for Neuropathy, hereditary sensory and autonomic, type 2A; Pseudohypoaldosteronism type 2C. Last evaluated: 2025-10-19. Review status: criteria provided, single submitter. Criteria: Invitae Variant Classification Sherloc (09022015). Collection method: clinical testing. Allele origin: germline.
Comment: This sequence change creates a premature translational stop signal (p.Pro1210Argfs*15) in the WNK1 gene. It is expected to result in an absent or disrupted protein product. Loss-of-function variants in WNK1 are known to be pathogenic (PMID: 22910560). This variant is not present in population databases (gnomAD no frequency). This variant has not been reported in the literature in individuals affected with WNK1-related conditions. For these reasons, this variant has been classified as Pathogenic.

Literature cited by the submitters: PubMed 22910560.